The following is an entry in ClinVar:

ClinVar aggregate classification (germline): Uncertain significance (1 of 4 stars; one submission).

Conditions:
Cardiovascular phenotype. Identifiers: MedGen CN230736.

gnomAD v4.1: 8 of 1,607,430 alleles (0.0005%); highest among the groups gnomAD compares: Non-Finnish European, 0.00068%; no homozygotes.

Submission:

Ambry Genetics
Classification: Uncertain significance for Cardiovascular phenotype. Last evaluated: 2024-06-03. Review status: criteria provided, single submitter. Criteria: Ambry Variant Classification Scheme 2023. Collection method: clinical testing. Allele origin: germline.
Comment: The p.S2209P variant (also known as c.6625T>C), located in coding exon 18 of the TNXB gene, results from a T to C substitution at nucleotide position 6625. The serine at codon 2209 is replaced by proline, an amino acid with similar properties. This amino acid position is conserved. In addition, the in silico prediction for this alteration is inconclusive. Based on the available evidence, the clinical significance of this variant remains unclear.

NM_001365276.2(TNXB):c.6625T>C (p.Ser2209Pro)

Gene: TNXB (tenascin XB; minus strand). Cytogenetic location: 6p21.33.
Variant type: single nucleotide variant.
Coding change: c.6625T>C on transcript NM_001365276.2 (MANE Select); coding-DNA position 6625, T replaced by C.
Protein change: p.Ser2209Pro; replaces serine 2209 with proline.
Molecular consequence: missense variant.
Genome position (GRCh38, 1-based): chr6:32,065,037, A>G on the plus strand (T>C on the coding strand, the complement: TNXB is on the minus strand). VCF-style: chr6-32065037-A-G. GRCh37 (hg19) VCF-style: chr6-32032814-A-G.
Other names: c.6625T>C, p.Ser2209Pro (NM_019105.8); short protein forms S2209P.
Identifiers: ClinVar variation 3327921 (VCV003327921.1).